The following is an entry in ClinVar:

ClinVar aggregate classification (germline): Uncertain significance (1 of 4 stars; one submission).

Conditions:
Dilated cardiomyopathy 1G (CMD1G). Identifiers: Orphanet 154, MedGen C1858763, MONDO:0011400, OMIM 604145.

Submission:

Breda Genetics srl
Classification: Uncertain significance for Dilated cardiomyopathy 1G. Last evaluated: 2021-04-30. Review status: criteria provided, single submitter. Criteria: ACMG Guidelines, 2015. Collection method: clinical testing. Allele origin: inherited. Inheritance: Autosomal dominant inheritance. Affected: yes. Observed: 1 variant allele, 1 heterozygote.
Comment: Based on allele frequency, in-silico prediction scores and a certain overlap with the clinical phenotype, we interpreted this variant at least as of uncertain significance. The lack of one or more of the following features has discouraged further investigations: lack of a possible second hit in autosomal recessive conditions, presence of healthy controls in databases for autosomal dominant conditions, presence of unmatching cardinal clinical features in the patient or in the known gene-disease association, and/or variant type outside the known gene mutational spectrum.

NM_001267550.2(TTN):c.3635C>T (p.Ser1212Phe)

Gene: TTN (titin; minus strand). Cytogenetic location: 2q31.2.
Variant type: single nucleotide variant.
Coding change: c.3635C>T on transcript NM_001267550.2 (MANE Select); coding-DNA position 3635, C replaced by T.
Protein change: p.Ser1212Phe; replaces serine 1212 with phenylalanine.
Molecular consequence: missense variant.
Genome position (GRCh38, 1-based): chr2:178,780,094, G>A on the plus strand (C>T on the coding strand, the complement: TTN is on the minus strand). VCF-style: chr2-178780094-G-A. GRCh37 (hg19) VCF-style: chr2-179644821-G-A.
Other names: c.3635C>T, p.Ser1212Phe (NM_001256850.1, NM_133378.4, NM_133379.5); c.3497C>T, p.Ser1166Phe (NM_003319.4, NM_133432.3, NM_133437.4); short protein forms S1166F, S1212F.
Identifiers: ClinVar variation 1298340 (VCV001298340.1), dbSNP rs2154348242, ClinGen allele CA349482551.